The following is an entry in ClinVar:

NM_006012.4(CLPP):c.697A>G (p.Met233Val)

Gene: CLPP (caseinolytic mitochondrial matrix peptidase proteolytic subunit; plus strand). Cytogenetic location: 19p13.3.
Variant type: single nucleotide variant.
Coding change: c.697A>G on transcript NM_006012.4 (MANE Select); coding-DNA position 697, A replaced by G.
Protein change: p.Met233Val; replaces methionine 233 with valine.
Molecular consequence: missense variant.
Genome position (GRCh38, 1-based): chr19:6,368,573, A>G. VCF-style: chr19-6368573-A-G. GRCh37 (hg19) VCF-style: chr19-6368584-A-G.
Other names: short protein forms M233V.
Identifiers: ClinVar variation 1916981 (VCV001916981.2), dbSNP rs753634588, ClinGen allele CA9123012.

ClinVar aggregate classification (germline): Uncertain significance (1 of 4 stars; one submission).

Allele frequency attached by ClinVar (database versions not stated): ExAC 0.00001; gnomAD exomes 0.00001.
gnomAD v4.1: 12 of 1,614,048 alleles (0.00074%); highest among the groups gnomAD compares: South Asian, 0.0011%; no homozygotes.

Submission:

Labcorp Genetics (formerly Invitae), Labcorp
Classification: Uncertain significance. Last evaluated: 2022-03-10. Review status: criteria provided, single submitter. Criteria: Invitae Variant Classification Sherloc (09022015). Collection method: clinical testing. Allele origin: germline.
Comment: This sequence change replaces methionine, which is neutral and non-polar, with valine, which is neutral and non-polar, at codon 233 of the CLPP protein (p.Met233Val). This variant is present in population databases (rs753634588, gnomAD 0.003%). This variant has not been reported in the literature in individuals affected with CLPP-related conditions. Algorithms developed to predict the effect of missense changes on protein structure and function (SIFT, PolyPhen-2, Align-GVGD) all suggest that this variant is likely to be tolerated. In summary, the available evidence is currently insufficient to determine the role of this variant in disease. Therefore, it has been classified as a Variant of Uncertain Significance.